The following is an entry in ClinVar:

NM_182746.3(MCM4):c.151A>T (p.Met51Leu)

Gene: MCM4 (minichromosome maintenance complex component 4; plus strand). Cytogenetic location: 8q11.21.
Variant type: single nucleotide variant.
Coding change: c.151A>T on transcript NM_182746.3 (MANE Select); coding-DNA position 151, A replaced by T.
Protein change: p.Met51Leu; replaces methionine 51 with leucine.
Molecular consequence: missense variant.
Genome position (GRCh38, 1-based): chr8:47,961,596, A>T. VCF-style: chr8-47961596-A-T. GRCh37 (hg19) VCF-style: chr8-48874156-A-T.
Other names: c.151A>T, p.Met51Leu (NM_005914.4); short protein forms M51L.
Identifiers: ClinVar variation 1414817 (VCV001414817.8), dbSNP rs2090836684, ClinGen allele CA371144867.

ClinVar aggregate classification (germline): Uncertain significance (1 of 4 stars; one submission).

Allele frequency attached by ClinVar (database versions not stated): gnomAD exomes below 0.00001.

Submission:

Labcorp Genetics (formerly Invitae), Labcorp
Classification: Uncertain significance. Last evaluated: 2021-03-17. Review status: criteria provided, single submitter. Criteria: Invitae Variant Classification Sherloc (09022015). Collection method: clinical testing. Allele origin: germline.
Comment: This variant has not been reported in the literature in individuals with MCM4-related conditions. This variant is not present in population databases (ExAC no frequency). This sequence change replaces methionine with leucine at codon 51 of the MCM4 protein (p.Met51Leu). The methionine residue is moderately conserved and there is a small physicochemical difference between methionine and leucine. Algorithms developed to predict the effect of missense changes on protein structure and function output the following: SIFT: "Tolerated"; PolyPhen-2: "Benign"; Align-GVGD: "Class C0". The leucine amino acid residue is found in multiple mammalian species, suggesting that this missense change does not adversely affect protein function. These predictions have not been confirmed by published functional studies and their clinical significance is uncertain. In summary, the available evidence is currently insufficient to determine the role of this variant in disease. Therefore, it has been classified as a Variant of Uncertain Significance.